The following is an entry in ClinVar:

ClinVar aggregate classification (germline): Uncertain significance. Review status: criteria provided, multiple submitters, no conflicts (2 of 4 stars). 2 submissions from 2 submitters: Uncertain significance (2). Last evaluated 2024-04-29.

Conditions:
Early-infantile DEE. Also called: Ohtahara syndrome; Early infantile epileptic encephalopathy; Early infantile epileptic encephalopathy with suppression bursts. Identifiers: Orphanet 1934, MedGen C0393706, MONDO:0800491.

Submissions (2):

Labcorp Genetics (formerly Invitae), Labcorp
Classification: Uncertain significance for Early-infantile DEE. Last evaluated: 2024-04-29. Review status: criteria provided, single submitter. Criteria: Invitae Variant Classification Sherloc (09022015). Collection method: clinical testing. Allele origin: germline.
Comment: This sequence change replaces methionine, which is neutral and non-polar, with valine, which is neutral and non-polar, at codon 1600 of the SCN8A protein (p.Met1600Val). This variant is not present in population databases (gnomAD no frequency). This missense change has been observed in individual(s) with clinical features of SCN8A-related conditions (PMID: 35230384). In at least one individual the variant was observed to be de novo. ClinVar contains an entry for this variant (Variation ID: 207124). An algorithm developed to predict the effect of missense changes on protein structure and function (PolyPhen-2) suggests that this variant is likely to be disruptive. In summary, the available evidence is currently insufficient to determine the role of this variant in disease. Therefore, it has been classified as a Variant of Uncertain Significance.

GeneDx
Classification: Uncertain significance. Last evaluated: 2014-07-30. Review status: criteria provided, single submitter. Criteria: GeneDx Variant Classification (06012015). Collection method: clinical testing. Allele origin: germline. Affected: yes.
Comment: p.Met1600Val (ATG>GTG): c.4798 A>G in exon 27 of the SCN8A gene (NM_014191.3). The M1600V variant has not been published as a mutation, nor has it been reported as a benign polymorphism to our knowledge. It was not observed in approximately 6,000 individuals of European and African American ancestry in the NHLBI Exome Sequencing Project, indicating it is not a common benign variant in these populations. This substitution alters a conserved position in transmembrane segment S3 in the 4th homologous domain. In silico analysis predicts this variant is probably damaging to the protein structure/function. However, the M1600V variant is a conservative amino acid substitution, which is not likely to impact secondary protein structure as these residues share similar properties. In addition, missense mutations in nearby residues have not been reported in association with epilepsy. Therefore, based on the currently available information, it is unclear whether this variant is a pathogenic mutation or a rare benign variant. The variant is found in INFANT-EPI panel(s).

Literature cited by the submitters: PubMed 35230384 (cited by Labcorp Genetics (formerly Invitae), Labcorp).

NM_001330260.2(SCN8A):c.4798A>G (p.Met1600Val)

Gene: SCN8A (sodium voltage-gated channel alpha subunit 8; plus strand). Cytogenetic location: 12q13.13.
Variant type: single nucleotide variant.
Coding change: c.4798A>G on transcript NM_001330260.2 (MANE Select); coding-DNA position 4798, A replaced by G.
Protein change: p.Met1600Val; replaces methionine 1600 with valine.
Molecular consequence: missense variant.
Genome position (GRCh38, 1-based): chr12:51,806,284, A>G. VCF-style: chr12-51806284-A-G. GRCh37 (hg19) VCF-style: chr12-52200068-A-G.
Other names: p.M1600V:ATG>GTG; c.4675A>G, p.Met1559Val (NM_001177984.3, NM_001369788.1); c.4798A>G, p.Met1600Val (NM_014191.4); short protein forms M1600V, M1559V.
Identifiers: ClinVar variation 207124 (VCV000207124.8), dbSNP rs796053221, ClinGen allele CA318286.
Genomic context (GRCh38, chr12:51,806,284, plus strand): 5'-TAAAGAGAAAGGGTGTCTCCCATCTCAATAACATAACTTCTTCTATTCCTCTTCTTAGGA[A>G]TGTTCCTGGCAGATATAATTGAGAAATACTTTGTTTCCCCAACCCTATTCCGAGTCATCC-3'
Protein context (NP_001317189.1, residues 1590-1610): FVVVILSIVG[Met1600Val]FLADIIEKYF